The following is an entry in ClinVar:

ClinVar aggregate classification (germline): Likely pathogenic (1 of 4 stars; one submission).

Submission:

CeGaT Center for Human Genetics Tuebingen
Classification: Likely pathogenic. Last evaluated: 2022-03-01. Review status: criteria provided, single submitter. Criteria: CeGaT Center For Human Genetics Tuebingen Variant Classification Criteria Version 2. Collection method: clinical testing. Allele origin: germline. Affected: yes. Observed: 1 variant allele.
Comment: TP63: PS2, PM2, PM4

NM_003722.5(TP63):c.1717_1719dup (p.Ile573dup)

Gene: TP63 (tumor protein p63; plus strand). Cytogenetic location: 3q28.
Variant type: Duplication.
Coding change: c.1717_1719dup on transcript NM_003722.5 (MANE Select); coding-DNA positions 1717 to 1719, 3 bases duplicated (ATC; older notation c.1717_1719dupATC).
Protein change: p.Ile573dup; duplicates isoleucine 573.
Molecular consequence: inframe insertion. On other transcripts: intron variant (6).
Genome position (GRCh38, 1-based): chr3:189,890,853-189,890,855, ATC duplicated; duplicating any 3 consecutive bases within chr3:189,890,852-189,890,855 gives the same sequence; the c. name uses the placement nearest the transcript's 3' end. VCF-style (leftmost placement, unchanged base first): chr3-189890851-C-CCAT. GRCh37 (hg19) VCF-style: chr3-189608640-C-CCAT.
Other names: c.1435_1437dup, p.Ile479dup (NM_001114980.2); c.1180_1182dup, p.Ile394dup (NM_001329146.2); c.1705_1707dup, p.Ile569dup (NM_001329148.2); c.1711_1713dup, p.Ile571dup (NM_001329964.2); c.1652+1369_1652+1371dup (NM_001114978.2); c.1508-3353_1508-3351dup (NM_001329144.2); c.1370+1369_1370+1371dup (NM_001114981.2); c.1226-3353_1226-3351dup (NM_001329145.2); and 2 more.
Identifiers: ClinVar variation 1675940 (VCV001675940.33), dbSNP rs2108864901, ClinGen allele CA2573136819.